The following is an entry in ClinVar:

NM_021620.4(PRDM13):c.481G>A (p.Val161Met)

Gene: PRDM13 (PR/SET domain 13; plus strand). Cytogenetic location: 6q16.2.
Variant type: single nucleotide variant.
Coding change: c.481G>A on transcript NM_021620.4 (MANE Select); coding-DNA position 481, G replaced by A.
Protein change: p.Val161Met; replaces valine 161 with methionine.
Molecular consequence: missense variant.
Genome position (GRCh38, 1-based): chr6:99,613,116, G>A. VCF-style: chr6-99613116-G-A. GRCh37 (hg19) VCF-style: chr6-100060992-G-A.
Other names: short protein forms V161M.
Identifiers: ClinVar variation 1331171 (VCV001331171.3), dbSNP rs779242829, ClinGen allele CA3936217.

ClinVar aggregate classification (germline): Uncertain significance. Review status: criteria provided, multiple submitters, no conflicts (2 of 4 stars). 2 submissions from 2 submitters: Uncertain significance (2). Last evaluated 2025-12-09.

Conditions:
Inborn genetic diseases. Identifiers: MedGen C0950123, MeSH D030342.

Allele frequency attached by ClinVar (database versions not stated): ExAC 0.00001; TOPMed 0.00002; gnomAD exomes below 0.00001; gnomAD 0.00003.

Submissions (2):

Ambry Genetics
Classification: Uncertain significance for Inborn genetic diseases. Last evaluated: 2025-12-09. Review status: criteria provided, single submitter. Criteria: Ambry Variant Classification Scheme 2023. Collection method: clinical testing. Allele origin: germline.

GeneDx
Classification: Uncertain significance. Last evaluated: 2021-06-30. Review status: criteria provided, single submitter. Criteria: GeneDx Variant Classification Process June 2021. Collection method: clinical testing. Allele origin: germline. Affected: yes.
Comment: Not observed at significant frequency in large population cohorts (Lek et al., 2016); In silico analysis supports that this missense variant does not alter protein structure/function; Has not been previously published as pathogenic or benign to our knowledge; This variant is associated with the following publications: (PMID: 27535533)